The following is an entry in ClinVar:

ClinVar aggregate classification (germline): Uncertain significance (1 of 4 stars; one submission).

Allele frequency attached by ClinVar (database versions not stated): ExAC 0.00001; TOPMed 0.00002; gnomAD exomes 0.00001 and 0.00002.
gnomAD v4.1: 5 of 1,614,026 alleles (0.00031%); highest among the groups gnomAD compares: Admixed American, 0.005%; no homozygotes.

Submission:

Labcorp Genetics (formerly Invitae), Labcorp
Classification: Uncertain significance. Last evaluated: 2024-02-17. Review status: criteria provided, single submitter. Criteria: Invitae Variant Classification Sherloc (09022015). Collection method: clinical testing. Allele origin: germline.
Comment: This sequence change replaces alanine, which is neutral and non-polar, with threonine, which is neutral and polar, at codon 439 of the ARSG protein (p.Ala439Thr). This variant is present in population databases (rs761320023, gnomAD 0.01%). This variant has not been reported in the literature in individuals affected with ARSG-related conditions. ClinVar contains an entry for this variant (Variation ID: 1479634). An algorithm developed to predict the effect of missense changes on protein structure and function (PolyPhen-2) suggests that this variant is likely to be disruptive. In summary, the available evidence is currently insufficient to determine the role of this variant in disease. Therefore, it has been classified as a Variant of Uncertain Significance.

NM_001267727.2(ARSG):c.1315G>A (p.Ala439Thr)

Genes: ARSG (arylsulfatase G; plus strand), PRKAR1A (protein kinase cAMP-dependent type I regulatory subunit alpha; plus strand). Cytogenetic location: 17q24.2.
Variant type: single nucleotide variant.
Coding change: c.1315G>A on transcript NM_001267727.2 (MANE Select); coding-DNA position 1315, G replaced by A.
Protein change: p.Ala439Thr; replaces alanine 439 with threonine.
Molecular consequence: missense variant. On other transcripts: intron variant (3).
Genome position (GRCh38, 1-based): chr17:68,420,200, G>A. VCF-style: chr17-68420200-G-A. GRCh37 (hg19) VCF-style: chr17-66416341-G-A.
Other names: c.1315G>A, p.Ala439Thr (NM_001352899.2, NM_001352900.2, NM_001352901.2 and 2 more transcripts); c.1312G>A, p.Ala438Thr (NM_001352903.2, NM_001352904.2, NM_001352905.2 and 2 more transcripts); c.1303+18750G>A (NM_001352910.2); c.1255+18750G>A (NM_001352909.2); c.-7+6405G>A (NM_001278433.2); short protein forms A439T, A438T.
Identifiers: ClinVar variation 1479634 (VCV001479634.8), dbSNP rs761320023, ClinGen allele CA8728561.